The following is an entry in ClinVar:

ClinVar aggregate classification (germline): Uncertain significance. Review status: criteria provided, multiple submitters, no conflicts (2 of 4 stars). 2 submissions from 2 submitters: Uncertain significance (2). Last evaluated 2024-03-14.

Conditions:
Leucine-induced hypoglycemia (LIH). Also called: LEUCINE-SENSITIVE HYPOGLYCEMIA OF INFANCY. Identifiers: MedGen C0271714, MONDO:0009415, OMIM 240800.
Diabetes mellitus, transient neonatal, 2 (TNDM2). Identifiers: Orphanet 99886, MedGen C1835887, MONDO:0012480, OMIM 610374. Disease mechanism: loss of function.
Diabetes mellitus, permanent neonatal 3. Also called: ABCC8-Related Permanent Neonatal Diabetes Mellitus. Identifiers: MedGen C5394303, MONDO:0030088, OMIM 618857.
Type 2 diabetes mellitus. Also called: Type II diabetes mellitus. Identifiers: MedGen C0011860, MeSH D003924, MONDO:0005148, OMIM 125853, HP:0005978.
Hyperinsulinemic hypoglycemia, familial, 1 (HHF1). Also called: Persistent hyperinsulinemic hypoglycemia of infancy; HYPERINSULINISM, FAMILIAL, WITH PANCREATIC NESIDIOBLASTOSIS; HYPOGLYCEMIA, HYPERINSULINEMIC, OF INFANCY; NESIDIOBLASTOSIS OF PANCREAS; Persistent Hyperinsulinemia Hypoglycemia of Infancy. Identifiers: Orphanet 276575, Orphanet 276598, MedGen C2931832, MONDO:0009734, OMIM 256450.

Allele frequency attached by ClinVar (database versions not stated): TOPMed 0.00001.

Submissions (2):

Fulgent Genetics
Classification: Uncertain significance for Type 2 diabetes mellitus; Leucine-induced hypoglycemia; Hyperinsulinemic hypoglycemia, familial, 1; Diabetes mellitus, transient neonatal, 2; Diabetes mellitus, permanent neonatal 3. Last evaluated: 2024-03-14. Review status: criteria provided, single submitter. Criteria: ACMG Guidelines, 2015. Collection method: clinical testing. Allele origin: germline.

Labcorp Genetics (formerly Invitae), Labcorp
Classification: Uncertain significance. Last evaluated: 2023-09-14. Review status: criteria provided, single submitter. Criteria: Invitae Variant Classification Sherloc (09022015). Collection method: clinical testing. Allele origin: germline.
Comment: In summary, the available evidence is currently insufficient to determine the role of this variant in disease. Therefore, it has been classified as a Variant of Uncertain Significance. Advanced modeling of protein sequence and biophysical properties (such as structural, functional, and spatial information, amino acid conservation, physicochemical variation, residue mobility, and thermodynamic stability) has been performed at Invitae for this missense variant, however the output from this modeling did not meet the statistical confidence thresholds required to predict the impact of this variant on ABCC8 protein function. This variant has not been reported in the literature in individuals affected with ABCC8-related conditions. This variant is not present in population databases (gnomAD no frequency). This sequence change replaces threonine, which is neutral and polar, with asparagine, which is neutral and polar, at codon 1534 of the ABCC8 protein (p.Thr1534Asn).

NM_000352.6(ABCC8):c.4601C>A (p.Thr1534Asn)

Gene: ABCC8 (ATP binding cassette subfamily C member 8; minus strand). Cytogenetic location: 11p15.1.
Variant type: single nucleotide variant.
Coding change: c.4601C>A on transcript NM_000352.6 (MANE Select); coding-DNA position 4601, C replaced by A.
Protein change: p.Thr1534Asn; replaces threonine 1534 with asparagine.
Molecular consequence: missense variant. On other transcripts: non-coding transcript variant (1).
Genome position (GRCh38, 1-based): chr11:17,393,704, G>T on the plus strand (C>A on the coding strand, the complement: ABCC8 is on the minus strand). VCF-style: chr11-17393704-G-T. GRCh37 (hg19) VCF-style: chr11-17415251-G-T.
Other names: c.4604C>A, p.Thr1535Asn (NM_001287174.3); c.4667C>A, p.Thr1556Asn (NM_001351295.2); c.4601C>A, p.Thr1534Asn (NM_001351296.2); c.4598C>A, p.Thr1533Asn (NM_001351297.2); short protein forms T1556N, T1533N, T1535N, T1534N.
Identifiers: ClinVar variation 2994775 (VCV002994775.4), dbSNP rs1953751569, ClinGen allele CA379781795.